The following is an entry in ClinVar:

NM_013275.6(ANKRD11):c.4082A>C (p.His1361Pro)

Gene: ANKRD11 (ankyrin repeat domain 11; minus strand). Cytogenetic location: 16q24.3.
Variant type: single nucleotide variant.
Coding change: c.4082A>C on transcript NM_013275.6 (MANE Select); coding-DNA position 4082, A replaced by C.
Protein change: p.His1361Pro; replaces histidine 1361 with proline.
Molecular consequence: missense variant.
Genome position (GRCh38, 1-based): chr16:89,282,460, T>G on the plus strand (A>C on the coding strand, the complement: ANKRD11 is on the minus strand). VCF-style: chr16-89282460-T-G. GRCh37 (hg19) VCF-style: chr16-89348868-T-G.
Other names: c.4082A>C, p.His1361Pro (NM_001256182.2, NM_001256183.2); short protein forms H1361P.
Identifiers: ClinVar variation 3704648 (VCV003704648.2).

ClinVar aggregate classification (germline): Uncertain significance (1 of 4 stars; one submission).

Conditions:
KBG syndrome (KBGS). Also called: ANKRD11-Related KBG Syndrome. Identifiers: Orphanet 2332, MedGen C0220687, MONDO:0007846, OMIM 148050.

Submission:

Labcorp Genetics (formerly Invitae), Labcorp
Classification: Uncertain significance for KBG syndrome. Last evaluated: 2026-01-05. Review status: criteria provided, single submitter. Criteria: Invitae Variant Classification Sherloc (09022015). Collection method: clinical testing. Allele origin: germline.
Comment: This sequence change replaces histidine, which is basic and polar, with proline, which is neutral and non-polar, at codon 1361 of the ANKRD11 protein (p.His1361Pro). This variant is not present in population databases (gnomAD no frequency). This variant has not been reported in the literature in individuals affected with ANKRD11-related conditions. ClinVar contains an entry for this variant (Variation ID: 3704648). Invitae Evidence Modeling of protein sequence and biophysical properties (such as structural, functional, and spatial information, amino acid conservation, physicochemical variation, residue mobility, and thermodynamic stability) indicates that this missense variant is not expected to disrupt ANKRD11 protein function with a negative predictive value of 95%. In summary, the available evidence is currently insufficient to determine the role of this variant in disease. Therefore, it has been classified as a Variant of Uncertain Significance.